The following is an entry in ClinVar:

ClinVar aggregate classification (germline): Uncertain significance. Review status: criteria provided, multiple submitters, no conflicts (2 of 4 stars). 2 submissions from 2 submitters: Uncertain significance (2). Last evaluated 2022-07-05.

Conditions:
Inborn genetic diseases. Identifiers: MedGen C0950123, MeSH D030342.
Arginase deficiency. Also called: ARGININEMIA; ARG1 DEFICIENCY; Arginase 1 Deficiency. Identifiers: Orphanet 90, MedGen C0268548, MONDO:0008814, OMIM 207800.

Allele frequency attached by ClinVar (database versions not stated): gnomAD 0.00001.
gnomAD v4.1: 1 of 1,613,782 alleles (0.000062%); highest among the groups gnomAD compares: Non-Finnish European, 0.000085%; no homozygotes.

Submissions (2):

Labcorp Genetics (formerly Invitae), Labcorp
Classification: Uncertain significance for Arginase deficiency. Last evaluated: 2022-07-05. Review status: criteria provided, single submitter. Criteria: Invitae Variant Classification Sherloc (09022015). Collection method: clinical testing. Allele origin: germline.
Comment: This sequence change replaces isoleucine, which is neutral and non-polar, with valine, which is neutral and non-polar, at codon 108 of the ARG1 protein (p.Ile108Val). This variant is not present in population databases (gnomAD no frequency). This variant has not been reported in the literature in individuals affected with ARG1-related conditions. ClinVar contains an entry for this variant (Variation ID: 1443427). Algorithms developed to predict the effect of missense changes on protein structure and function (SIFT, PolyPhen-2, Align-GVGD) all suggest that this variant is likely to be tolerated. In summary, the available evidence is currently insufficient to determine the role of this variant in disease. Therefore, it has been classified as a Variant of Uncertain Significance.

Ambry Genetics
Classification: Uncertain significance for Inborn genetic diseases. Last evaluated: 2021-09-01. Review status: criteria provided, single submitter. Criteria: Ambry Variant Classification Scheme 2023. Collection method: clinical testing. Allele origin: germline.

NM_000045.4(ARG1):c.322A>G (p.Ile108Val)

Genes: ARG1 (arginase 1; plus strand), MED23 (mediator complex subunit 23; minus strand). Cytogenetic location: 6q23.2.
Variant type: single nucleotide variant.
Coding change: c.322A>G on transcript NM_000045.4 (MANE Select); coding-DNA position 322, A replaced by G.
Protein change: p.Ile108Val; replaces isoleucine 108 with valine.
Molecular consequence: missense variant. On other transcripts: non-coding transcript variant (1), intron variant (3).
Genome position (GRCh38, 1-based): chr6:131,581,235, A>G. VCF-style: chr6-131581235-A-G. GRCh37 (hg19) VCF-style: chr6-131902375-A-G.
Other names: c.346A>G, p.Ile116Val (NM_001244438.2); c.306-1825A>G (NM_001369020.1); c.4077+6474T>C (NM_001270521.2); c.4095+6474T>C (NM_015979.4); short protein forms I108V, I116V.
Identifiers: ClinVar variation 1443427 (VCV001443427.7), dbSNP rs1773905930, ClinGen allele CA365650922.